The following is an entry in ClinVar:

NM_006014.5(LAGE3):c.274G>A (p.Val92Met)

Gene: LAGE3 (L antigen family member 3; minus strand). Cytogenetic location: Xq28.
Variant type: single nucleotide variant.
Coding change: c.274G>A on transcript NM_006014.5 (MANE Select); coding-DNA position 274, G replaced by A.
Protein change: p.Val92Met; replaces valine 92 with methionine.
Molecular consequence: missense variant.
Genome position (GRCh38, 1-based): chrX:154,478,326, C>T on the plus strand (G>A on the coding strand, the complement: LAGE3 is on the minus strand). VCF-style: chrX-154478326-C-T. GRCh37 (hg19) VCF-style: chrX-153706665-C-T.
Other names: short protein forms V92M.
Identifiers: ClinVar variation 2188639 (VCV002188639.4), dbSNP rs782430798, ClinGen allele CA10565233.
Genomic context (GRCh38, chrX:154,478,326, plus strand): 5'-TCCCTTTCAGAACTTACACGACCAGGATCCTGCCACTCACTGTGAGATCCTTCCCAACCA[C>T]CCTTTGGTGGGGCTCGGCATCTGGTGCCAGGGACCCATGGGCGATTTCCGCCTCCAAGGG-3'
Protein context (NP_006005.2, residues 82-102): LAPDAEPHQR[Val92Met]VGKDLTVSGR

ClinVar aggregate classification (germline): Uncertain significance (1 of 4 stars; one submission).

Allele frequency attached by ClinVar (database versions not stated): TOPMed below 0.00001; ExAC 0.00001; gnomAD exomes 0.00001.
gnomAD v4.1: 6 of 1,210,646 alleles (0.0005%); highest among the groups gnomAD compares: Admixed American, 0.0087%; no homozygotes.

Submission:

Labcorp Genetics (formerly Invitae), Labcorp
Classification: Uncertain significance. Last evaluated: 2024-11-18. Review status: criteria provided, single submitter. Criteria: Invitae Variant Classification Sherloc (09022015). Collection method: clinical testing. Allele origin: germline.
Comment: This sequence change replaces valine, which is neutral and non-polar, with methionine, which is neutral and non-polar, at codon 92 of the LAGE3 protein (p.Val92Met). This variant is present in population databases (rs782430798, gnomAD 0.02%). This variant has not been reported in the literature in individuals affected with LAGE3-related conditions. ClinVar contains an entry for this variant (Variation ID: 2188639). An algorithm developed to predict the effect of missense changes on protein structure and function (PolyPhen-2) suggests that this variant is likely to be disruptive. Algorithms developed to predict the effect of sequence changes on RNA splicing suggest that this variant may create or strengthen a splice site. In summary, the available evidence is currently insufficient to determine the role of this variant in disease. Therefore, it has been classified as a Variant of Uncertain Significance.